The following is an entry in ClinVar:

ClinVar aggregate classification (germline): Uncertain significance (1 of 4 stars; one submission).

Allele frequency attached by ClinVar (database versions not stated): gnomAD exomes below 0.00001; ExAC 0.00001; gnomAD 0.00001.
gnomAD v4.1: 5 of 1,614,030 alleles (0.00031%); highest among the groups gnomAD compares: African/African-American, 0.0027%; no homozygotes.

Submission:

Labcorp Genetics (formerly Invitae), Labcorp
Classification: Uncertain significance. Last evaluated: 2023-07-03. Review status: criteria provided, single submitter. Criteria: Invitae Variant Classification Sherloc (09022015). Collection method: clinical testing. Allele origin: germline.
Comment: This variant has not been reported in the literature in individuals affected with CLP1-related conditions. In summary, the available evidence is currently insufficient to determine the role of this variant in disease. Therefore, it has been classified as a Variant of Uncertain Significance. Advanced modeling of protein sequence and biophysical properties (such as structural, functional, and spatial information, amino acid conservation, physicochemical variation, residue mobility, and thermodynamic stability) performed at Invitae indicates that this missense variant is not expected to disrupt CLP1 protein function. This variant is present in population databases (rs746873689, gnomAD 0.006%). This sequence change replaces arginine, which is basic and polar, with histidine, which is basic and polar, at codon 143 of the CLP1 protein (p.Arg143His).

NM_006831.3(CLP1):c.428G>A (p.Arg143His)

Gene: CLP1 (cleavage factor polyribonucleotide kinase subunit 1; plus strand). Cytogenetic location: 11q12.1.
Variant type: single nucleotide variant.
Coding change: c.428G>A on transcript NM_006831.3 (MANE Select); coding-DNA position 428, G replaced by A.
Protein change: p.Arg143His; replaces arginine 143 with histidine.
Molecular consequence: missense variant. On other transcripts: intron variant (1).
Genome position (GRCh38, 1-based): chr11:57,659,904, G>A. VCF-style: chr11-57659904-G-A. GRCh37 (hg19) VCF-style: chr11-57427376-G-A.
Other names: c.414+14G>A (NM_001142597.2); short protein forms R143H.
Identifiers: ClinVar variation 2976624 (VCV002976624.3), dbSNP rs746873689, ClinGen allele CA6008518.
Genomic context (GRCh38, chr11:57,659,904, plus strand): 5'-CTGATGTGGGCAAGTCTACAGTGTGTCGCCTTCTGCTCAACTACGCAGTGCGTTTGGGCC[G>A]CCGTCCCACTTATGTGGAGCTGGATGTGGGCCAGGGTTCTGTGTCCATCCCTGGTACCAT-3'
Protein context (NP_006822.1, residues 133-153): LLLNYAVRLG[Arg143His]RPTYVELDVG